The following is an entry in ClinVar:

NM_030973.4(MED25):c.1566_1569del (p.Phe522fs)

Gene: MED25 (mediator complex subunit 25; plus strand). Cytogenetic location: 19q13.33.
Variant type: Deletion.
Coding change: c.1566_1569del on transcript NM_030973.4 (MANE Select); coding-DNA positions 1566 to 1569, 4 bases deleted (CATG; older notation c.1566_1569delCATG).
Protein change: p.Phe522fs; shifts the reading frame from phenylalanine 522.
Molecular consequence: frameshift variant.
Genome position (GRCh38, 1-based): chr19:49,835,069-49,835,072, CATG deleted. VCF-style (leftmost placement, unchanged base first): chr19-49835068-TCATG-T. GRCh37 (hg19) VCF-style: chr19-50338325-TCATG-T.
Other names: c.1566_1569del, p.Phe522fs (NM_001378355.1); short protein forms F522fs.
Identifiers: ClinVar variation 1359067 (VCV001359067.3), dbSNP rs2074085486, ClinGen allele CA2340607531.

ClinVar aggregate classification (germline): Uncertain significance (1 of 4 stars; one submission).

Conditions:
Charcot-Marie-Tooth disease type 2. Also called: Charcot-Marie-Tooth type 2. Identifiers: Orphanet 64746, MedGen C0270914, MONDO:0018993.

Allele frequency attached by ClinVar (database versions not stated): TOPMed 0.00001; gnomAD exomes below 0.00001.

Submission:

Labcorp Genetics (formerly Invitae), Labcorp
Classification: Uncertain significance for Charcot-Marie-Tooth disease type 2. Last evaluated: 2021-06-07. Review status: criteria provided, single submitter. Criteria: Invitae Variant Classification Sherloc (09022015). Collection method: clinical testing. Allele origin: germline.
Comment: This sequence change creates a premature translational stop signal (p.Phe522Leufs*74) in the MED25 gene. It is expected to result in an absent or disrupted protein product. However, the current clinical and genetic evidence is not sufficient to establish whether loss-of-function variants in MED25 cause disease. This variant is not present in population databases (ExAC no frequency). This variant has not been reported in the literature in individuals with MED25-related conditions. In summary, the available evidence is currently insufficient to determine the role of this variant in disease. Therefore, it has been classified as a Variant of Uncertain Significance.